The following is an entry in ClinVar:

ClinVar aggregate classification (germline): Likely benign. Review status: criteria provided, multiple submitters, no conflicts (2 of 4 stars). 2 submissions from 2 submitters: Likely benign (2). Last evaluated 2024-07-15.

Conditions:
Retinoblastoma (RB1). Also called: RETINOBLASTOMA, SOMATIC. Identifiers: Orphanet 790, MedGen C0035335, MeSH D012175, MONDO:0008380, OMIM 180200, HP:0009919. Disease mechanism: loss of function. Inheritance: Both sporadic and heritable forms are tested..

Submissions (2):

Labcorp Genetics (formerly Invitae), Labcorp
Classification: Likely benign for Retinoblastoma. Last evaluated: 2024-07-15. Review status: criteria provided, single submitter. Criteria: Invitae Variant Classification Sherloc (09022015). Collection method: clinical testing. Allele origin: germline.

All of Us Research Program, National Institutes of Health
Classification: Likely benign for Retinoblastoma. Last evaluated: 2024-04-16. Review status: criteria provided, single submitter. Criteria: ACMG Guidelines, 2015. Collection method: clinical testing. Allele origin: germline. Inheritance: Autosomal dominant inheritance. Observed: 1 variant allele, 1 heterozygote.
Comment: This study involves interpretation of variants in research participants for the purpose of population health screening. Participant phenotype was not available at the time of variant classification. Additional details can be found in publication PMID: 35346344, PMCID: PMC8962531

NM_000321.3(RB1):c.2714-14C>T

Gene: RB1 (RB transcriptional corepressor 1; plus strand). Cytogenetic location: 13q14.2.
Variant type: single nucleotide variant.
Coding change: c.2714-14C>T on transcript NM_000321.3 (MANE Select); 14 bases into the intron before coding-DNA position 2714, C replaced by T.
Molecular consequence: intron variant. On other transcripts: missense variant (1).
Genome position (GRCh38, 1-based): chr13:48,479,984, C>T. VCF-style: chr13-48479984-C-T. GRCh37 (hg19) VCF-style: chr13-49054120-C-T.
Other names: c.2719C>T, p.His907Tyr (NM_001407165.1); short protein forms H907Y.
Identifiers: ClinVar variation 2162919 (VCV002162919.5), dbSNP rs1424765095, ClinGen allele CA2580087588.
Genomic context (GRCh38, chr13:48,479,984, plus strand): 5'-AATATATATGGCAGCCACTTGCCAACTTACCCAGTACCATCAATGCTGTTAACAGTTCTT[C>T]ATCCTTTTTCCAGCTTCTACTCGAACACGAATGCAAAAGCAGAAAATGAATGATAGCATG-3'